The following is an entry in ClinVar:

NM_023036.6(DNAI2):c.250del (p.Asp84fs)

Gene: DNAI2 (dynein axonemal intermediate chain 2; plus strand). Cytogenetic location: 17q25.1.
Variant type: Deletion.
Coding change: c.250del on transcript NM_023036.6 (MANE Select); coding-DNA position 250, one base deleted (G; older notation c.250delG).
Protein change: p.Asp84fs; shifts the reading frame from aspartic acid 84.
Molecular consequence: frameshift variant. On other transcripts: non-coding transcript variant (1).
Genome position (GRCh38, 1-based): chr17:74,285,106, G deleted; the last of 2 consecutive G bases (chr17:74,285,105-74,285,106); deleting either gives the same sequence. VCF-style (leftmost placement, unchanged base first): chr17-74285104-AG-A. GRCh37 (hg19) VCF-style: chr17-72281243-AG-A.
Other names: c.250del, p.Asp84fs (NM_001172810.3, NM_001353167.2); c.250delG (NM_023036.5); short protein forms D84fs.
Identifiers: ClinVar variation 1071724 (VCV001071724.9), dbSNP rs769251936, ClinGen allele CA8745302.

ClinVar aggregate classification (germline): Pathogenic/Likely pathogenic. Review status: criteria provided, multiple submitters, no conflicts (2 of 4 stars). 3 submissions from 3 submitters: Pathogenic (1); Likely pathogenic (2). Last evaluated 2025-10-08.

Conditions:
Primary ciliary dyskinesia 9. Also called: CILIARY DYSKINESIA, PRIMARY, 9, WITH OR WITHOUT SITUS INVERSUS. Identifiers: Orphanet 244, MedGen C2676235, MONDO:0012906, OMIM 612444.
Primary ciliary dyskinesia. Also called: Ciliary dyskinesia. Identifiers: Orphanet 244, MedGen C0008780, MONDO:0016575, HP:0012265.

Submissions (3):

Natera, Inc.
Classification: Likely pathogenic for Primary ciliary dyskinesia. Last evaluated: 2025-10-08. Review status: criteria provided, single submitter. Criteria: Natera Variant Classification Schema (03/2026). Collection method: clinical testing. Allele origin: germline.
Comment: The c.250delG variant in DNAI2 is a frameshift variant predicted to shift the reading frame beginning at codon 84 and leads to a stop codon 2 codons downstream. This variant is expected to result in nonsense mediated decay, truncation, or a dysfunctional protein product. This variant is rare in the general population with a frequency below the threshold expected for the associated phenotype(s). Given the available evidence, this variant is classified as Likely Pathogenic.

Labcorp Genetics (formerly Invitae), Labcorp
Classification: Pathogenic for Primary ciliary dyskinesia. Last evaluated: 2025-07-10. Review status: criteria provided, single submitter. Criteria: Invitae Variant Classification Sherloc (09022015). Collection method: clinical testing. Allele origin: germline.
Comment: This sequence change creates a premature translational stop signal (p.Asp84Thrfs*2) in the DNAI2 gene. It is expected to result in an absent or disrupted protein product. Loss-of-function variants in DNAI2 are known to be pathogenic (PMID: 18950741, 23891469). This variant is present in population databases (rs769251936, gnomAD 0.02%). This premature translational stop signal has been observed in individual(s) with primary ciliary dyskinesia (internal data). ClinVar contains an entry for this variant (Variation ID: 1071724). For these reasons, this variant has been classified as Pathogenic.

Fulgent Genetics
Classification: Likely pathogenic for Primary ciliary dyskinesia 9. Last evaluated: 2024-06-14. Review status: criteria provided, single submitter. Criteria: ACMG Guidelines, 2015. Collection method: clinical testing. Allele origin: germline.

Literature cited by the submitters: PubMed 18950741 (cited by Labcorp Genetics (formerly Invitae), Labcorp); PubMed 23891469 (cited by Labcorp Genetics (formerly Invitae), Labcorp).